The following is an entry in ClinVar:

NM_001244710.2(GFPT1):c.487C>T (p.Arg163Trp)

Gene: GFPT1 (glutamine--fructose-6-phosphate transaminase 1; minus strand). Cytogenetic location: 2p13.3.
Variant type: single nucleotide variant.
Coding change: c.487C>T on transcript NM_001244710.2 (MANE Select); coding-DNA position 487, C replaced by T.
Protein change: p.Arg163Trp; replaces arginine 163 with tryptophan.
Molecular consequence: missense variant.
Genome position (GRCh38, 1-based): chr2:69,358,385, G>A on the plus strand (C>T on the coding strand, the complement: GFPT1 is on the minus strand). VCF-style: chr2-69358385-G-A. GRCh37 (hg19) VCF-style: chr2-69585517-G-A.
Other names: c.487C>T, p.Arg163Trp (NM_002056.4); short protein forms R163W.
Identifiers: ClinVar variation 2041703 (VCV002041703.2), dbSNP rs770856462, ClinGen allele CA1693867.

ClinVar aggregate classification (germline): Uncertain significance. Review status: criteria provided, multiple submitters, no conflicts (2 of 4 stars). 2 submissions from 2 submitters: Uncertain significance (2). Last evaluated 2022-07-14.

Conditions:
Inborn genetic diseases. Identifiers: MedGen C0950123, MeSH D030342.
Congenital myasthenic syndrome 12 (CMS12). Also called: Myasthenia, congenital, 12, with tubular aggregates; MYASTHENIC SYNDROME, CONGENITAL, WITH TUBULAR AGGREGATES 1. Identifiers: Orphanet 353327, Orphanet 590, MedGen C3552335, MONDO:0012518, OMIM 610542.

Allele frequency attached by ClinVar (database versions not stated): ExAC 0.00001; TOPMed 0.00001; gnomAD 0.00003.

Submissions (2):

Labcorp Genetics (formerly Invitae), Labcorp
Classification: Uncertain significance for Congenital myasthenic syndrome 12. Last evaluated: 2022-07-14. Review status: criteria provided, single submitter. Criteria: Invitae Variant Classification Sherloc (09022015). Collection method: clinical testing. Allele origin: germline.
Comment: This sequence change replaces arginine, which is basic and polar, with tryptophan, which is neutral and slightly polar, at codon 163 of the GFPT1 protein (p.Arg163Trp). This variant is present in population databases (rs770856462, gnomAD 0.02%). This variant has not been reported in the literature in individuals affected with GFPT1-related conditions. Algorithms developed to predict the effect of missense changes on protein structure and function output the following: SIFT: "Tolerated"; PolyPhen-2: "Possibly Damaging"; Align-GVGD: "Class C0". The tryptophan amino acid residue is found in multiple mammalian species, which suggests that this missense change does not adversely affect protein function. In summary, the available evidence is currently insufficient to determine the role of this variant in disease. Therefore, it has been classified as a Variant of Uncertain Significance.

Ambry Genetics
Classification: Uncertain significance for Inborn genetic diseases. Last evaluated: 2021-07-27. Review status: criteria provided, single submitter. Criteria: Ambry Variant Classification Scheme 2023. Collection method: clinical testing. Allele origin: germline.